The following is an entry in ClinVar:

NM_001170629.2(CHD8):c.4373G>A (p.Trp1458Ter)

Gene: CHD8 (chromodomain helicase DNA binding protein 8; minus strand). Cytogenetic location: 14q11.2.
Variant type: single nucleotide variant.
Coding change: c.4373G>A on transcript NM_001170629.2 (MANE Select); coding-DNA position 4373, G replaced by A.
Protein change: p.Trp1458Ter; replaces tryptophan 1458 with a stop codon.
Molecular consequence: nonsense.
Genome position (GRCh38, 1-based): chr14:21,400,610, C>T on the plus strand (G>A on the coding strand, the complement: CHD8 is on the minus strand). VCF-style: chr14-21400610-C-T. GRCh37 (hg19) VCF-style: chr14-21868769-C-T.
Other names: c.3536G>A, p.Trp1179Ter (NM_020920.4); c.4373G>A (NM_001170629.1); short protein forms W1179*, W1458*.
Identifiers: ClinVar variation 2782314 (VCV002782314.5), dbSNP rs2501888861, ClinGen allele CA388894516.

ClinVar aggregate classification (germline): Pathogenic. Review status: criteria provided, single submitter (1 of 4 stars). 2 submissions from 2 submitters: Pathogenic (1). 1 of the submissions does not count toward it. Last evaluated 2023-04-15.

Conditions:
CHD8-related disorder. Also called: CHD8-related condition; CHD8-related disorders.

Submissions (2):

Labcorp Genetics (formerly Invitae), Labcorp
Classification: Pathogenic. Last evaluated: 2023-04-15. Review status: criteria provided, single submitter. Criteria: Invitae Variant Classification Sherloc (09022015). Collection method: clinical testing. Allele origin: germline.
Comment: For these reasons, this variant has been classified as Pathogenic. Algorithms developed to predict the effect of sequence changes on RNA splicing suggest that this variant may create or strengthen a splice site. This variant has not been reported in the literature in individuals affected with CHD8-related conditions. This variant is not present in population databases (gnomAD no frequency). This sequence change creates a premature translational stop signal (p.Trp1458*) in the CHD8 gene. It is expected to result in an absent or disrupted protein product. Loss-of-function variants in CHD8 are known to be pathogenic (PMID: 24998929, 26789910).

PreventionGenetics, part of Exact Sciences
Classification: Likely pathogenic for CHD8-related condition. Last evaluated: 2024-02-08. Review status: no assertion criteria provided. Collection method: clinical testing. Allele origin: germline. Not counted in ClinVar's aggregate classification.
Comment: The CHD8 c.4373G>A variant is predicted to result in premature protein termination (p.Trp1458*). To our knowledge, this variant has not been reported in the literature or in a large population database, indicating this variant is rare. Nonsense variants in CHD8 are expected to be pathogenic. This variant is interpreted as likely pathogenic.

Literature cited by the submitters: PubMed 24998929 (cited by Labcorp Genetics (formerly Invitae), Labcorp); PubMed 26789910 (cited by Labcorp Genetics (formerly Invitae), Labcorp).